The following is an entry in ClinVar:

ClinVar aggregate classification (germline): Conflicting classifications of pathogenicity. Review status: criteria provided, conflicting classifications (1 of 4 stars). 5 submissions from 5 submitters: Uncertain significance (1); Likely benign (4). Last evaluated 2026-08-01.

Conditions:
Angelman syndrome-like. Identifiers: MedGen CN128785.
Developmental and epileptic encephalopathy, 2 (DEE2). Also called: CDKL5 deficiency disorder; INFANTILE SPASM SYNDROME, X-LINKED 2. Identifiers: Orphanet 1934, Orphanet 3451, Orphanet 505652, MedGen C4750718, MONDO:0010396, OMIM 300672.

Allele frequency attached by ClinVar (database versions not stated): gnomAD exomes 0.00003; gnomAD 0.00006 and 0.00005; TOPMed 0.00002.
gnomAD v4.1: 77 of 1,209,577 alleles (0.0064%); highest among the groups gnomAD compares: Non-Finnish European, 0.0077%; no homozygotes.

Submissions (5):

CeGaT Center for Human Genetics Tuebingen
Classification: Likely benign. Last evaluated: 2026-08-01. Review status: criteria provided, single submitter. Criteria: CeGaT Center For Human Genetics Tuebingen Variant Classification Criteria Version 2. Collection method: clinical testing. Allele origin: germline. Affected: yes. Observed: 1 variant allele.
Comment: CDKL5: BP4, BS2

Women's Health and Genetics/Laboratory Corporation of America, LabCorp
Classification: Uncertain significance. Last evaluated: 2026-05-19. Review status: criteria provided, single submitter. Criteria: LabCorp Variant Classification Summary - May 2015. Collection method: clinical testing. Allele origin: germline.
Comment: Variant summary: CDKL5 c.3004G>A (p.Val1002Ile) results in a conservative amino acid change in the encoded protein sequence. Algorithms developed to predict the effect of missense changes on protein structure and function all suggest that this variant is likely to be tolerated. The variant allele was found at a frequency of 2.7e-05 in 182521 control chromosomes. The available data on variant occurrences in the general population are insufficient to allow any conclusion about variant significance. To our knowledge, no occurrence of c.3004G>A in individuals affected with CDKL5-related conditions and no experimental evidence demonstrating its impact on protein function have been reported. ClinVar contains an entry for this variant (Variation ID: 511046). Based on the evidence outlined above, the variant was classified as uncertain significance.

Labcorp Genetics (formerly Invitae), Labcorp
Classification: Likely benign for Developmental and epileptic encephalopathy, 2; Angelman syndrome-like. Last evaluated: 2025-06-10. Review status: criteria provided, single submitter. Criteria: Invitae Variant Classification Sherloc (09022015). Collection method: clinical testing. Allele origin: germline.

Blueprint Genetics
Classification: Likely benign. Last evaluated: 2024-04-26. Review status: criteria provided, single submitter. Criteria: ACMG Guidelines, 2015. Collection method: clinical testing. Allele origin: germline.

GeneDx
Classification: Likely benign. Last evaluated: 2017-07-25. Review status: criteria provided, single submitter. Criteria: GeneDx Variant Classification (06012015). Collection method: clinical testing. Allele origin: germline. Affected: yes.
Comment: This variant is considered likely benign or benign based on one or more of the following criteria: it is a conservative change, it occurs at a poorly conserved position in the protein, it is predicted to be benign by multiple in silico algorithms, and/or has population frequency not consistent with disease.

NM_003159.3(CDKL5):c.3004G>A (p.Val1002Ile)

Genes: CDKL5 (cyclin dependent kinase like 5; plus strand), RS1 (retinoschisin 1; minus strand). Cytogenetic location: Xp22.13.
Variant type: single nucleotide variant.
Coding change: c.3004G>A on transcript NM_003159.3; coding-DNA position 3004, G replaced by A.
Protein change: p.Val1002Ile; replaces valine 1002 with isoleucine.
Molecular consequence: missense variant. On other transcripts: intron variant (1).
Genome position (GRCh38, 1-based): chrX:18,653,455, G>A. VCF-style: chrX-18653455-G-A. GRCh37 (hg19) VCF-style: chrX-18671575-G-A.
Other names: c.3004G>A, p.Val1002Ile (NM_001037343.2); c.184+3198C>T (NM_000330.4); short protein forms V1002I.
Identifiers: ClinVar variation 511046 (VCV000511046.14), dbSNP rs987192406, ClinGen allele CA327013567.